The following is an entry in ClinVar:

ClinVar aggregate classification (germline): Uncertain significance. Review status: criteria provided, multiple submitters, no conflicts (2 of 4 stars). 2 submissions from 2 submitters: Uncertain significance (2). Last evaluated 2019-10-07.

Conditions:
Familial adenomatous polyposis 1 (FAP1). Also called: FAMILIAL ADENOMATOUS POLYPOSIS 1, ATTENUATED; POLYPOSIS, ADENOMATOUS INTESTINAL. Identifiers: MedGen C2713442, MONDO:0021056, OMIM 175100. Disease mechanism: loss of function.
Hereditary cancer-predisposing syndrome. Also called: Tumor predisposition; Hereditary Cancer Syndrome; Hereditary neoplastic syndrome; Neoplastic Syndromes, Hereditary. Identifiers: Orphanet 140162, MedGen C0027672, MeSH D009386, MONDO:0015356.

Submissions (2):

Ambry Genetics
Classification: Uncertain significance for Hereditary cancer-predisposing syndrome. Last evaluated: 2019-10-07. Review status: criteria provided, single submitter. Criteria: Ambry Variant Classification Scheme 2023. Collection method: clinical testing. Allele origin: germline.
Comment: The p.P1514T variant (also known as c.4540C>A), located in coding exon 15 of the APC gene, results from a C to A substitution at nucleotide position 4540. The proline at codon 1514 is replaced by threonine, an amino acid with highly similar properties. This amino acid position is highly conserved in available vertebrate species. In addition, in silico predictors for this gene do not accurately predict pathogenicity. Since supporting evidence is limited at this time, the clinical significance of this alteration remains unclear.

Labcorp Genetics (formerly Invitae), Labcorp
Classification: Uncertain significance for Familial adenomatous polyposis 1. Last evaluated: 2016-09-21. Review status: criteria provided, single submitter. Criteria: Invitae Variant Classification Sherloc (09022015). Collection method: clinical testing. Allele origin: germline.
Comment: In summary, this variant is a novel missense change with uncertain impact on protein function. It has been classified as a Variant of Uncertain Significance. Algorithms developed to predict the effect of missense changes on protein structure and function do not agree on the potential impact of this missense change (SIFT: "Deleterious"; PolyPhen-2: "Probably Damaging"; Align-GVGD: "Class C0"). This variant is not present in population databases (ExAC no frequency) and has not been reported in the literature in individuals with a APC-related disease. This sequence change replaces proline with threonine at codon 1514 of the APC protein (p.Pro1514Thr). The proline residue is highly conserved and there is a small physicochemical difference between proline and threonine.

NM_000038.6(APC):c.4540C>A (p.Pro1514Thr)

Gene: APC (APC regulator of Wnt signaling pathway; plus strand). Cytogenetic location: 5q22.2.
Variant type: single nucleotide variant.
Coding change: c.4540C>A on transcript NM_000038.6 (MANE Select); coding-DNA position 4540, C replaced by A.
Protein change: p.Pro1514Thr; replaces proline 1514 with threonine.
Molecular consequence: missense variant.
Genome position (GRCh38, 1-based): chr5:112,840,134, C>A. VCF-style: chr5-112840134-C-A. GRCh37 (hg19) VCF-style: chr5-112175831-C-A.
Other names: c.4540C>A, p.Pro1514Thr (NM_001127510.3, NM_001354895.2); c.4486C>A, p.Pro1496Thr (NM_001127511.3); c.4594C>A, p.Pro1532Thr (NM_001354896.2); c.4570C>A, p.Pro1524Thr (NM_001354897.2); c.4465C>A, p.Pro1489Thr (NM_001354898.2); c.4456C>A, p.Pro1486Thr (NM_001354899.2); c.4417C>A, p.Pro1473Thr (NM_001354900.2); c.4363C>A, p.Pro1455Thr (NM_001354901.2); and 5 more; short protein forms P1514T, P1496T, P1423T, P1524T, P1413T, P1455T, P1532T, P1231T.
Identifiers: ClinVar variation 411350 (VCV000411350.14), dbSNP rs1060503266, ClinGen allele CA16031264.
Genomic context (GRCh38, chr5:112,840,134, plus strand): 5'-GAAAGTACTCCAGATGGATTTTCTTGTTCATCCAGCCTGAGTGCTCTGAGCCTCGATGAG[C>A]CATTTATACAGAAAGATGTGGAATTAAGAATAATGCCTCCAGTTCAGGAAAATGACAATG-3'
Protein context (NP_000029.2, residues 1504-1524): SSLSALSLDE[Pro1514Thr]FIQKDVELRI